The following is an entry in ClinVar:

NM_001003800.2(BICD2):c.1612T>C (p.Tyr538His)

Gene: BICD2 (BICD cargo adaptor 2; minus strand). Cytogenetic location: 9q22.31.
Variant type: single nucleotide variant.
Coding change: c.1612T>C on transcript NM_001003800.2 (MANE Select); coding-DNA position 1612, T replaced by C.
Protein change: p.Tyr538His; replaces tyrosine 538 with histidine.
Molecular consequence: missense variant.
Genome position (GRCh38, 1-based): chr9:92,719,033, A>G on the plus strand (T>C on the coding strand, the complement: BICD2 is on the minus strand). VCF-style: chr9-92719033-A-G. GRCh37 (hg19) VCF-style: chr9-95481315-A-G.
Other names: c.1612T>C, p.Tyr538His (NM_015250.4); short protein forms Y538H.
Identifiers: ClinVar variation 1310437 (VCV001310437.2), dbSNP rs2131500475, ClinGen allele CA374036773.
Genomic context (GRCh38, chr9:92,719,033, plus strand): 5'-GGTAGTAGTCCAGCATGACACGGTTGGGTGTCTCATTGTTGCACATGCACACGTGGTGGT[A>G]GAGATTGGCCAGCTCCTCACTGAAGGTCACCAGCTCATCCTGGGCCACACTCAGGCTGCC-3'
Protein context (NP_001003800.1, residues 528-548): VTFSEELANL[Tyr538His]HHVCMCNNET

ClinVar aggregate classification (germline): Uncertain significance (1 of 4 stars; one submission).

Submission:

GeneDx
Classification: Uncertain significance. Last evaluated: 2019-12-06. Review status: criteria provided, single submitter. Criteria: GeneDx Variant Classification Process June 2021. Collection method: clinical testing. Allele origin: germline. Affected: yes.
Comment: Not observed in large population cohorts (Lek et al., 2016); The majority of missense variants in this gene are considered pathogenic (Stenson et al., 2014 ); In silico analysis, which includes protein predictors and evolutionary conservation, supports a deleterious effect; Has not been previously published as pathogenic or benign to our knowledge